The following is an entry in ClinVar:

ClinVar aggregate classification (germline): Uncertain significance. Review status: criteria provided, multiple submitters, no conflicts (2 of 4 stars). 2 submissions from 2 submitters: Uncertain significance (2). Last evaluated 2022-08-23.

Conditions:
Andersen Tawil syndrome (LQT7). Also called: ANDERSEN CARDIODYSRHYTHMIC PERIODIC PARALYSIS; Andersen Syndrome; PERIODIC PARALYSIS, POTASSIUM-SENSITIVE CARDIODYSRHYTHMIC TYPE; LONG QT SYNDROME 7; Potassium-sensitive periodic paralysis, ventricular ectopy, and dysmorphic features. Identifiers: Orphanet 37553, MedGen C1563715, MONDO:0008222, OMIM 170390.
Short QT syndrome type 3. Identifiers: Orphanet 51083, MedGen C1865018, MONDO:0012314, OMIM 609622.

Allele frequency attached by ClinVar (database versions not stated): gnomAD exomes below 0.00001.
gnomAD v4.1: 1 of 1,614,098 alleles (0.000062%); highest among the groups gnomAD compares: Non-Finnish European, 0.000085%; no homozygotes.

Submissions (2):

Labcorp Genetics (formerly Invitae), Labcorp
Classification: Uncertain significance for Short QT syndrome type 3; Andersen Tawil syndrome. Last evaluated: 2022-08-23. Review status: criteria provided, single submitter. Criteria: Invitae Variant Classification Sherloc (09022015). Collection method: clinical testing. Allele origin: germline.
Comment: This variant is not present in population databases (gnomAD no frequency). Algorithms developed to predict the effect of missense changes on protein structure and function (SIFT, PolyPhen-2, Align-GVGD) all suggest that this variant is likely to be tolerated. ClinVar contains an entry for this variant (Variation ID: 637982). This variant has not been reported in the literature in individuals affected with KCNJ2-related conditions. In summary, the available evidence is currently insufficient to determine the role of this variant in disease. Therefore, it has been classified as a Variant of Uncertain Significance. This sequence change replaces serine, which is neutral and polar, with threonine, which is neutral and polar, at codon 399 of the KCNJ2 protein (p.Ser399Thr).

MVZ Martinsried, Medicover Genetics
Classification: Uncertain significance for Andersen Tawil syndrome. Last evaluated: 2018-10-30. Review status: criteria provided, single submitter. Criteria: ACMG Guidelines, 2015. Collection method: clinical testing. Allele origin: unknown. Affected: yes.

NM_000891.3(KCNJ2):c.1196G>C (p.Ser399Thr)

Gene: KCNJ2 (potassium inwardly rectifying channel subfamily J member 2; plus strand). Cytogenetic location: 17q24.3.
Variant type: single nucleotide variant.
Coding change: c.1196G>C on transcript NM_000891.3 (MANE Select); coding-DNA position 1196, G replaced by C.
Protein change: p.Ser399Thr; replaces serine 399 with threonine.
Molecular consequence: missense variant.
Genome position (GRCh38, 1-based): chr17:70,176,235, G>C. VCF-style: chr17-70176235-G-C. GRCh37 (hg19) VCF-style: chr17-68172376-G-C.
Other names: short protein forms S399T.
Identifiers: ClinVar variation 637982 (VCV000637982.11), dbSNP rs1598211624, ClinGen allele CA400863954.